The following is an entry in ClinVar:

NM_002103.5(GYS1):c.1157G>A (p.Arg386His)

Gene: GYS1 (glycogen synthase 1; minus strand). Cytogenetic location: 19q13.33.
Variant type: single nucleotide variant.
Coding change: c.1157G>A on transcript NM_002103.5 (MANE Select); coding-DNA position 1157, G replaced by A.
Protein change: p.Arg386His; replaces arginine 386 with histidine.
Molecular consequence: missense variant. On other transcripts: non-coding transcript variant (1).
Genome position (GRCh38, 1-based): chr19:48,981,542, C>T on the plus strand (G>A on the coding strand, the complement: GYS1 is on the minus strand). VCF-style: chr19-48981542-C-T. GRCh37 (hg19) VCF-style: chr19-49484799-C-T.
Other names: c.1157G>A (NM_002103.4); c.965G>A, p.Arg322His (NM_001161587.2); short protein forms R322H, R386H.
Identifiers: ClinVar variation 2418513 (VCV002418513.6), dbSNP rs566356663, ClinGen allele CA9563079.

ClinVar aggregate classification (germline): Uncertain significance. Review status: criteria provided, multiple submitters, no conflicts (2 of 4 stars). 2 submissions from 2 submitters: Uncertain significance (2). Last evaluated 2025-10-02.

Conditions:
Inborn genetic diseases. Identifiers: MedGen C0950123, MeSH D030342.
Glycogen storage disease due to muscle and heart glycogen synthase deficiency. Also called: GSD 0b; MUSCLE GLYCOGEN SYNTHASE DEFICIENCY. Identifiers: Orphanet 137625, MedGen C1969054, MONDO:0012693, OMIM 611556.

Allele frequency attached by ClinVar (database versions not stated): gnomAD 0.00001; gnomAD exomes 0.00001; ExAC 0.00002; 1000 Genomes Project 30x 0.00016; 1000 Genomes Project 0.00020.
gnomAD v4.1: 11 of 1,606,186 alleles (0.00068%); highest among the groups gnomAD compares: Admixed American, 0.0033%; no homozygotes.

Submissions (2):

Labcorp Genetics (formerly Invitae), Labcorp
Classification: Uncertain significance for Glycogen storage disease due to muscle and heart glycogen synthase deficiency. Last evaluated: 2025-10-02. Review status: criteria provided, single submitter. Criteria: Invitae Variant Classification Sherloc (09022015). Collection method: clinical testing. Allele origin: germline.
Comment: This sequence change replaces arginine, which is basic and polar, with histidine, which is basic and polar, at codon 386 of the GYS1 protein (p.Arg386His). This variant is present in population databases (rs566356663, gnomAD 0.006%). This variant has not been reported in the literature in individuals affected with GYS1-related conditions. ClinVar contains an entry for this variant (Variation ID: 2418513). Invitae Evidence Modeling of protein sequence and biophysical properties (such as structural, functional, and spatial information, amino acid conservation, physicochemical variation, residue mobility, and thermodynamic stability) indicates that this missense variant is not expected to disrupt GYS1 protein function with a negative predictive value of 80%. In summary, the available evidence is currently insufficient to determine the role of this variant in disease. Therefore, it has been classified as a Variant of Uncertain Significance.

Ambry Genetics
Classification: Uncertain significance for Inborn genetic diseases. Last evaluated: 2025-06-06. Review status: criteria provided, single submitter. Criteria: Ambry Variant Classification Scheme 2023. Collection method: clinical testing. Allele origin: germline.